The following is an entry in ClinVar:

ClinVar aggregate classification (germline): Likely benign (1 of 4 stars; one submission).

Allele frequency attached by ClinVar (database versions not stated): TOPMed 0.00057; 1000 Genomes Project 30x 0.00031; 1000 Genomes Project 0.00040; ESP Exome Variant Server 0.00043.
gnomAD v4.1: 999 of 1,609,160 alleles (0.062%); highest among the groups gnomAD compares: Non-Finnish European, 0.064%; 3 homozygotes.

Submission:

CeGaT Center for Human Genetics Tuebingen
Classification: Likely benign. Last evaluated: 2023-04-01. Review status: criteria provided, single submitter. Criteria: CeGaT Center For Human Genetics Tuebingen Variant Classification Criteria Version 2. Collection method: clinical testing. Allele origin: germline. Affected: yes. Observed: 1 variant allele.
Comment: NBEAL1: BP4, BP7

NM_001378026.1(NBEAL1):c.6228G>A (p.Ser2076=)

Gene: NBEAL1 (neurobeachin like 1; plus strand). Cytogenetic location: 2q33.2.
Variant type: single nucleotide variant.
Coding change: c.6228G>A on transcript NM_001378026.1 (MANE Select); coding-DNA position 6228, G replaced by A.
Protein change: p.Ser2076=; no amino-acid change (serine 2076 retained).
Molecular consequence: synonymous variant.
Genome position (GRCh38, 1-based): chr2:203,172,758, G>A. VCF-style: chr2-203172758-G-A. GRCh37 (hg19) VCF-style: chr2-204037481-G-A.
Other names: c.6141G>A, p.Ser2047= (NM_001114132.2).
Identifiers: ClinVar variation 2651829 (VCV002651829.24), dbSNP rs199575214, ClinGen allele CA2064402.
Genomic context (GRCh38, chr2:203,172,758, plus strand): 5'-ATGTCTAAATTGTAAATTATGGCTCTTTTAGTTTCCCTGGATTTTACAAGATTATACTTC[G>A]GAAGAGTTGGACCTTAATAACCCTGCTGTATTTCGAGATCTTTCCAAACCAATTGGGGTA-3'
Protein context (NP_001364955.1, residues 2066-2086): VFPWILQDYT[Ser2076=]EELDLNNPAV